The following is an entry in ClinVar:

ClinVar aggregate classification (germline): Uncertain significance (1 of 4 stars; one submission).

Conditions:
Cardiovascular phenotype. Identifiers: MedGen CN230736.

Submission:

Ambry Genetics
Classification: Uncertain significance for Cardiovascular phenotype. Last evaluated: 2024-09-19. Review status: criteria provided, single submitter. Criteria: Ambry Variant Classification Scheme 2023. Collection method: clinical testing. Allele origin: germline.
Comment: The p.P670S variant (also known as c.2008C>T), located in coding exon 30 of the COL1A1 gene, results from a C to T substitution at nucleotide position 2008. The proline at codon 670 is replaced by serine, an amino acid with similar properties. This amino acid position is well conserved in available vertebrate species. In addition, the in silico prediction for this alteration is inconclusive. Based on the available evidence, the clinical significance of this variant remains unclear.

NM_000088.4(COL1A1):c.2008C>T (p.Pro670Ser)

Gene: COL1A1 (collagen type I alpha 1 chain; minus strand). Cytogenetic location: 17q21.33.
Variant type: single nucleotide variant.
Coding change: c.2008C>T on transcript NM_000088.4 (MANE Select); coding-DNA position 2008, C replaced by T.
Protein change: p.Pro670Ser; replaces proline 670 with serine.
Molecular consequence: missense variant.
Genome position (GRCh38, 1-based): chr17:50,192,000, G>A on the plus strand (C>T on the coding strand, the complement: COL1A1 is on the minus strand). VCF-style: chr17-50192000-G-A. GRCh37 (hg19) VCF-style: chr17-48269361-G-A.
Other names: short protein forms P670S.
Identifiers: ClinVar variation 3495211 (VCV003495211.1).